The following is an entry in ClinVar:

NM_080632.3(UPF3B):c.1288C>A (p.Arg430=)

Gene: UPF3B (UPF3B regulator of nonsense mediated mRNA decay; minus strand). Cytogenetic location: Xq24.
Variant type: single nucleotide variant.
Coding change: c.1288C>A on transcript NM_080632.3 (MANE Select); coding-DNA position 1288, C replaced by A.
Protein change: p.Arg430=; no amino-acid change (arginine 430 retained).
Molecular consequence: synonymous variant.
Genome position (GRCh38, 1-based): chrX:119,837,771, G>T on the plus strand (C>A on the coding strand, the complement: UPF3B is on the minus strand). VCF-style: chrX-119837771-G-T. GRCh37 (hg19) VCF-style: chrX-118971734-G-T.
Other names: c.1249C>A, p.Arg417= (NM_023010.4).
Identifiers: ClinVar variation 3336057 (VCV003336057.1).
Genomic context (GRCh38, chrX:119,837,771, plus strand): 5'-AAAAGGGAAAAAAACCCTCATAAACAAGTTTAATGACAAGCAGCACCTTGTTTCTTATTC[G>T]ATCTCTCTTGACCACTTCTTCTTTCTTTTCAGTTTTTTCTGAGCTGCCTATTGATTCTGT-3'
Protein context (NP_542199.1, residues 420-440): EKKEEVVKRD[Arg430=]IRNKDRPAMQ

ClinVar aggregate classification (germline): Likely benign (1 of 4 stars; one submission).

gnomAD v4.1: 1 of 1,208,001 alleles (0.000083%); no homozygotes.

Submission:

Women's Health and Genetics/Laboratory Corporation of America, LabCorp
Classification: Likely benign. Last evaluated: 2024-05-10. Review status: criteria provided, single submitter. Criteria: LabCorp Variant Classification Summary - May 2015. Collection method: clinical testing. Allele origin: germline.
Comment: Variant summary: UPF3B c.1288C>A alters a conserved nucleotide resulting in a synonymous change. Consensus agreement among computation tools predict no significant impact on normal splicing. However, these predictions have yet to be confirmed by functional studies. The variant was absent in 181496 control chromosomes. The available data on variant occurrences in the general population are insufficient to allow any conclusion about variant significance. To our knowledge, no occurrence of c.1288C>A in individuals affected with Syndromic X-Linked Intellectual Disability 14 and no experimental evidence demonstrating its impact on protein function have been reported. No submitters have cited clinical-significance assessments for this variant to ClinVar. Based on the evidence outlined above, the variant was classified as likely benign.